The following is an entry in ClinVar:

ClinVar aggregate classification (germline): Likely benign. Review status: criteria provided, single submitter (1 of 4 stars). 2 submissions from 2 submitters: Likely benign (1). 1 of the submissions does not count toward it. Last evaluated 2025-12-16.

Conditions:
CFAP410-related disorder. Also called: CFAP410-related condition.

Allele frequency attached by ClinVar (database versions not stated): gnomAD exomes 0.00002; gnomAD 0.00007 and 0.00008.
gnomAD v4.1: 23 of 1,472,748 alleles (0.0016%); highest among the groups gnomAD compares: Admixed American, 0.042%; no homozygotes.

Submissions (2):

Labcorp Genetics (formerly Invitae), Labcorp
Classification: Likely benign. Last evaluated: 2025-12-16. Review status: criteria provided, single submitter. Criteria: Invitae Variant Classification Sherloc (09022015). Collection method: clinical testing. Allele origin: germline.

PreventionGenetics, part of Exact Sciences
Classification: Likely benign for CFAP410-related condition. Last evaluated: 2023-03-01. Review status: no assertion criteria provided. Collection method: clinical testing. Allele origin: germline. Not counted in ClinVar's aggregate classification.
Comment: This variant is classified as likely benign based on ACMG/AMP sequence variant interpretation guidelines (Richards et al. 2015 PMID: 25741868, with internal and published modifications).

NM_004928.3(CFAP410):c.30C>T (p.Thr10=)

Genes: CFAP410 (cilia and flagella associated protein 410; minus strand), LOC130066823 (ATAC-STARR-seq lymphoblastoid silent region 13383; plus strand). Cytogenetic location: 21q22.3.
Variant type: single nucleotide variant.
Coding change: c.30C>T on transcript NM_004928.3 (MANE Select); coding-DNA position 30, C replaced by T.
Protein change: p.Thr10=; no amino-acid change (threonine 10 retained).
Molecular consequence: synonymous variant.
Genome position (GRCh38, 1-based): chr21:44,339,165, G>A on the plus strand (C>T on the coding strand, the complement: CFAP410 is on the minus strand). VCF-style: chr21-44339165-G-A. GRCh37 (hg19) VCF-style: chr21-45759048-G-A.
Other names: c.30C>T, p.Thr10= (NM_001271440.2, NM_001271441.2); c.30C>T (NM_004928.2).
Identifiers: ClinVar variation 1078593 (VCV001078593.9), dbSNP rs886286080, ClinGen allele CA321788197.
Genomic context (GRCh38, chr21:44,339,165, plus strand): 5'-GGCCCCGCCTCACCAGCAGTTGAGCTTGCGCACGCTGTGCAGCTCCGAGGCCTTGGCCCG[G>A]GTCAGAACCATCTTCCGCGTCAGCTTCATGGCGGCCGCCCAGGCCCGACCGGCGGGCGCC-3'
Protein context (NP_004919.1, residues 1-20): MKLTRKMVL[Thr10=]RAKASELHSV